The following is an entry in ClinVar:

ClinVar aggregate classification (germline): Uncertain significance (1 of 4 stars; one submission).

Conditions:
Multiple endocrine neoplasia type 4. Also called: MULTIPLE ENDOCRINE NEOPLASIA, TYPE IV. Identifiers: Orphanet 276152, MedGen C1970712, MONDO:0012552, OMIM 610755.

Submission:

Labcorp Genetics (formerly Invitae), Labcorp
Classification: Uncertain significance for Multiple endocrine neoplasia type 4. Last evaluated: 2023-11-27. Review status: criteria provided, single submitter. Criteria: Invitae Variant Classification Sherloc (09022015). Collection method: clinical testing. Allele origin: germline.
Comment: This variant, c.181_318del, results in the deletion of 46 amino acid(s) of the CDKN1B protein (p.Asn61_Ser106del), but otherwise preserves the integrity of the reading frame. This variant is not present in population databases (gnomAD no frequency). This variant has not been reported in the literature in individuals affected with CDKN1B-related conditions. ClinVar contains an entry for this variant (Variation ID: 1425912). Experimental studies and prediction algorithms are not available or were not evaluated, and the functional significance of this variant is currently unknown. In summary, the available evidence is currently insufficient to determine the role of this variant in disease. Therefore, it has been classified as a Variant of Uncertain Significance.

NM_004064.5(CDKN1B):c.181_318del (p.Asn61_Ser106del)

Gene: CDKN1B (cyclin dependent kinase inhibitor 1B; plus strand). Cytogenetic location: 12p13.1.
Variant type: Deletion.
Coding change: c.181_318del on transcript NM_004064.5 (MANE Select); coding-DNA positions 181 to 318, 138 bases deleted.
Protein change: p.Asn61_Ser106del.
Molecular consequence: inframe deletion.
Genome position (GRCh38, 1-based): chr12:12,718,020-12,718,157, 138 bases deleted. GRCh37 (hg19): chr12:12,870,954-12,871,091.
Identifiers: ClinVar variation 1425912 (VCV001425912.8), dbSNP rs2136355726, ClinGen allele CA2573147859.